The following is an entry in ClinVar:

ClinVar aggregate classification (germline): Uncertain significance (1 of 4 stars; one submission).

Conditions:
Hypertrophic cardiomyopathy. Also called: HYPERTROPHIC MYOCARDIOPATHY. Identifiers: Orphanet 217569, MedGen C0007194, MeSH D002312, MONDO:0005045, HP:0001639.

Allele frequency attached by ClinVar (database versions not stated): gnomAD 0.00001; TOPMed 0.00002.

Submission:

Labcorp Genetics (formerly Invitae), Labcorp
Classification: Uncertain significance for Hypertrophic cardiomyopathy. Last evaluated: 2025-08-27. Review status: criteria provided, single submitter. Criteria: Invitae Variant Classification Sherloc (09022015). Collection method: clinical testing. Allele origin: germline.
Comment: This sequence change replaces threonine, which is neutral and polar, with isoleucine, which is neutral and non-polar, at codon 573 of the JPH2 protein (p.Thr573Ile). This variant is not present in population databases (gnomAD no frequency). This variant has not been reported in the literature in individuals affected with JPH2-related conditions. ClinVar contains an entry for this variant (Variation ID: 1009317). An algorithm developed to predict the effect of missense changes on protein structure and function (PolyPhen-2) suggests that this variant is likely to be tolerated. In summary, the available evidence is currently insufficient to determine the role of this variant in disease. Therefore, it has been classified as a Variant of Uncertain Significance.

NM_020433.5(JPH2):c.1718C>T (p.Thr573Ile)

Gene: JPH2 (junctophilin 2; minus strand). Cytogenetic location: 20q13.12.
Variant type: single nucleotide variant.
Coding change: c.1718C>T on transcript NM_020433.5 (MANE Select); coding-DNA position 1718, C replaced by T.
Protein change: p.Thr573Ile; replaces threonine 573 with isoleucine.
Molecular consequence: missense variant.
Genome position (GRCh38, 1-based): chr20:44,115,957, G>A on the plus strand (C>T on the coding strand, the complement: JPH2 is on the minus strand). VCF-style: chr20-44115957-G-A. GRCh37 (hg19) VCF-style: chr20-42744597-G-A.
Other names: short protein forms T573I.
Identifiers: ClinVar variation 1009317 (VCV001009317.8), dbSNP rs1316615185, ClinGen allele CA409100063.